The following is an entry in ClinVar:

NM_000535.7(PMS2):c.1145-8T>G

Gene: PMS2 (PMS1 homolog 2, mismatch repair system component; minus strand). Cytogenetic location: 7p22.1.
Variant type: single nucleotide variant.
Coding change: c.1145-8T>G on transcript NM_000535.7 (MANE Select); 8 bases into the intron before coding-DNA position 1145, T replaced by G.
Molecular consequence: intron variant.
Genome position (GRCh38, 1-based): chr7:5,987,628, A>C on the plus strand (T>G on the coding strand, the complement: PMS2 is on the minus strand). VCF-style: chr7-5987628-A-C. GRCh37 (hg19) VCF-style: chr7-6027259-A-C.
Other names: c.827-8T>G (NM_001322008.2, NM_001322007.2); c.584-8T>G (NM_001322010.2); c.740-8T>G (NM_001322004.2, NM_001322003.2, NM_001322009.2 and 1 more transcripts); c.572-8T>G (NM_001322013.2); c.212-8T>G (NM_001322012.2, NM_001322011.2); c.836-8T>G (NM_001322015.2); c.989-8T>G (NM_001322006.2); c.1145-8T>G (NM_001322014.2).
Identifiers: ClinVar variation 516386 (VCV000516386.19), dbSNP rs1554298100, ClinGen allele CA658796895.
Genomic context (GRCh38, chr7:5,987,628, plus strand): 5'-CTTTTCTACCATGGGCTTTTCCAAATCCGCTGCATGCATTTTTATTAAGTTACCTAAGCA[A>C]ACGTGGACGGAGAAGAGGGTCAGGGACTATCCTGAAATGGTGAGAGGACGTGCTTATGTG-3'

ClinVar aggregate classification (germline): Conflicting classifications of pathogenicity. Review status: criteria provided, conflicting classifications (1 of 4 stars). 3 submissions from 3 submitters: Uncertain significance (1); Likely benign (2). Last evaluated 2024-10-09.

Conditions:
Hereditary nonpolyposis colorectal neoplasms. Identifiers: MedGen C0009405, MeSH D003123.
Hereditary cancer-predisposing syndrome. Also called: Tumor predisposition; Hereditary neoplastic syndrome; Neoplastic Syndromes, Hereditary; Hereditary Cancer Syndrome. Identifiers: Orphanet 140162, MedGen C0027672, MeSH D009386, MONDO:0015356.

Allele frequency attached by ClinVar (database versions not stated): gnomAD exomes 0.00001.
gnomAD v4.1: 3 of 1,569,346 alleles (0.00019%); highest among the groups gnomAD compares: Non-Finnish European, 0.00026%; no homozygotes.

Submissions (3):

Labcorp Genetics (formerly Invitae), Labcorp
Classification: Likely benign for Hereditary nonpolyposis colorectal neoplasms. Last evaluated: 2024-10-09. Review status: criteria provided, single submitter. Criteria: Invitae Variant Classification Sherloc (09022015). Collection method: clinical testing. Allele origin: germline.

Color Diagnostics, LLC DBA Color Health
Classification: Uncertain significance for Hereditary cancer-predisposing syndrome. Last evaluated: 2023-08-23. Review status: criteria provided, single submitter. Criteria: ACMG Guidelines, 2015. Collection method: clinical testing. Allele origin: germline.
Comment: This variant causes a T to G nucleotide substitution at the -8 position of intron 10 of the PMS2 gene. To our knowledge, functional studies have not been reported for this variant. This variant has not been reported in individuals affected with PMS2-related disorders in the literature. This variant has not been identified in the general population by the Genome Aggregation Database (gnomAD). The available evidence is insufficient to determine the role of this variant in disease conclusively. Therefore, this variant is classified as a Variant of Uncertain Significance.

GeneDx
Classification: Likely benign. Last evaluated: 2020-07-31. Review status: criteria provided, single submitter. Criteria: GeneDx Variant Classification Process June 2021. Collection method: clinical testing. Allele origin: germline. Affected: yes.